The following is an entry in ClinVar:

ClinVar aggregate classification (germline): Uncertain significance (1 of 4 stars; one submission).

Conditions:
Acrocallosal syndrome (ACLS). Also called: Schinzel syndrome 1; Absence of corpus callosum with unusual facial appearance, mental deficiency, duplication of the halluces and polydactyly; HALLUX DUPLICATION, POSTAXIAL POLYDACTYLY, AND ABSENCE OF CORPUS CALLOSUM. Identifiers: Orphanet 36, MedGen C0796147, MONDO:0008708, OMIM 200990.

Allele frequency attached by ClinVar (database versions not stated): TOPMed 0.00001; ExAC 0.00005.

Submission:

Labcorp Genetics (formerly Invitae), Labcorp
Classification: Uncertain significance for Acrocallosal syndrome. Last evaluated: 2024-10-17. Review status: criteria provided, single submitter. Criteria: Invitae Variant Classification Sherloc (09022015). Collection method: clinical testing. Allele origin: germline.
Comment: This sequence change replaces arginine, which is basic and polar, with tryptophan, which is neutral and slightly polar, at codon 977 of the KIF7 protein (p.Arg977Trp). This variant is present in population databases (rs759367222, gnomAD 0.04%). This variant has not been reported in the literature in individuals affected with KIF7-related conditions. ClinVar contains an entry for this variant (Variation ID: 1422480). Invitae Evidence Modeling of protein sequence and biophysical properties (such as structural, functional, and spatial information, amino acid conservation, physicochemical variation, residue mobility, and thermodynamic stability) has been performed for this missense variant. However, the output from this modeling did not meet the statistical confidence thresholds required to predict the impact of this variant on KIF7 protein function. In summary, the available evidence is currently insufficient to determine the role of this variant in disease. Therefore, it has been classified as a Variant of Uncertain Significance.

NM_198525.3(KIF7):c.2929C>T (p.Arg977Trp)

Gene: KIF7 (kinesin family member 7; minus strand). Cytogenetic location: 15q26.1.
Variant type: single nucleotide variant.
Coding change: c.2929C>T on transcript NM_198525.3 (MANE Select); coding-DNA position 2929, C replaced by T.
Protein change: p.Arg977Trp; replaces arginine 977 with tryptophan.
Molecular consequence: missense variant.
Genome position (GRCh38, 1-based): chr15:89,631,677, G>A on the plus strand (C>T on the coding strand, the complement: KIF7 is on the minus strand). VCF-style: chr15-89631677-G-A. GRCh37 (hg19) VCF-style: chr15-90174908-G-A.
Other names: short protein forms R977W.
Identifiers: ClinVar variation 1422480 (VCV001422480.5), dbSNP rs759367222, ClinGen allele CA7727877.